The following is an entry in ClinVar:

ClinVar aggregate classification (germline): Uncertain significance (1 of 4 stars; one submission).

Allele frequency attached by ClinVar (database versions not stated): gnomAD 0.00002; gnomAD exomes 0.00002; TOPMed 0.00003; ExAC 0.00004.
gnomAD v4.1: 15 of 1,603,526 alleles (0.00094%); highest among the groups gnomAD compares: Admixed American, 0.024%; no homozygotes.

Submission:

Labcorp Genetics (formerly Invitae), Labcorp
Classification: Uncertain significance. Last evaluated: 2024-01-08. Review status: criteria provided, single submitter. Criteria: Invitae Variant Classification Sherloc (09022015). Collection method: clinical testing. Allele origin: germline.
Comment: This sequence change replaces asparagine, which is neutral and polar, with serine, which is neutral and polar, at codon 294 of the AARS2 protein (p.Asn294Ser). This variant is present in population databases (rs780106639, gnomAD 0.04%). This variant has not been reported in the literature in individuals affected with AARS2-related conditions. ClinVar contains an entry for this variant (Variation ID: 2183231). Advanced modeling of protein sequence and biophysical properties (such as structural, functional, and spatial information, amino acid conservation, physicochemical variation, residue mobility, and thermodynamic stability) performed at Invitae indicates that this missense variant is not expected to disrupt AARS2 protein function with a negative predictive value of 80%. In summary, the available evidence is currently insufficient to determine the role of this variant in disease. Therefore, it has been classified as a Variant of Uncertain Significance.

NM_020745.4(AARS2):c.881A>G (p.Asn294Ser)

Gene: AARS2 (alanyl-tRNA synthetase 2, mitochondrial; minus strand). Cytogenetic location: 6p21.1.
Variant type: single nucleotide variant.
Coding change: c.881A>G on transcript NM_020745.4 (MANE Select); coding-DNA position 881, A replaced by G.
Protein change: p.Asn294Ser; replaces asparagine 294 with serine.
Molecular consequence: missense variant.
Genome position (GRCh38, 1-based): chr6:44,310,312, T>C on the plus strand (A>G on the coding strand, the complement: AARS2 is on the minus strand). VCF-style: chr6-44310312-T-C. GRCh37 (hg19) VCF-style: chr6-44278049-T-C.
Other names: short protein forms N294S.
Identifiers: ClinVar variation 2183231 (VCV002183231.3), dbSNP rs780106639, ClinGen allele CA3834535.